The following is an entry in ClinVar:

NM_139058.3(ARX):c.790del (p.Arg264fs)

Gene: ARX (aristaless related homeobox; minus strand). Cytogenetic location: Xp21.3.
Variant type: Deletion.
Coding change: c.790del on transcript NM_139058.3 (MANE Select); coding-DNA position 790, one base deleted (C; older notation c.790delC).
Protein change: p.Arg264fs; shifts the reading frame from arginine 264.
Molecular consequence: frameshift variant.
Genome position (GRCh38, 1-based): chrX:25,013,205, G deleted on the plus strand (C on the coding strand, the reverse complement: ARX is on the minus strand); the first of 4 consecutive G bases (chrX:25,013,205-25,013,208); deleting any one gives the same sequence. VCF-style (leftmost placement, unchanged base first): chrX-25013204-CG-C. GRCh37 (hg19) VCF-style: chrX-25031321-CG-C.
Other names: short protein forms R264fs.
Identifiers: ClinVar variation 287023 (VCV000287023.6), dbSNP rs886043552, ClinGen allele CA10605649.

ClinVar aggregate classification (germline): Pathogenic. Review status: criteria provided, multiple submitters, no conflicts (2 of 4 stars). 3 submissions from 3 submitters: Pathogenic (2). 1 of the submissions does not count toward it. Last evaluated 2026-03-15.

Conditions:
Intellectual disability, X-linked, with or without seizures, ARX-related. Also called: INTELLECTUAL DEVELOPMENTAL DISORDER, X-LINKED 29; Mental retardation, X-linked 52; MENTAL RETARDATION, X-LINKED 29; MENTAL RETARDATION, X-LINKED 32; MENTAL RETARDATION, X-LINKED 33; MENTAL RETARDATION, X-LINKED 38. Identifiers: Orphanet 777, MedGen C0796244, MONDO:0010317, OMIM 300419.
X-linked lissencephaly with abnormal genitalia. Identifiers: Orphanet 452, MedGen C1846171, MONDO:0010268, OMIM 300215.

Submissions (3):

Myriad Genetics, Inc.
Classification: Pathogenic for Intellectual disability, X-linked, with or without seizures, ARX-related. Last evaluated: 2026-03-15. Review status: criteria provided, single submitter. Criteria: Myriad Autosomal Dominant, Autosomal Recessive and X-Linked Classification Criteria (2023). Collection method: clinical testing. Allele origin: unknown.
Comment: NM_139058.2(ARX):c.790delC(R264Gfs*61) is expected to be pathogenic in the context of ARX-related disorders. This variant is predicted to lead to an abnormal or absent protein product due to the creation of a premature termination codon in ARX, a gene where loss-of-function variants are known to be pathogenic. Please note: this variant was assessed in the context of healthy population screening.

Eurofins Ntd Llc (ga)
Classification: Pathogenic. Last evaluated: 2016-03-31. Review status: criteria provided, single submitter. Criteria: EGL Classification Definitions 2015. Collection method: clinical testing. Allele origin: germline. Observed: 1 variant allele, 1 heterozygote.

OMIM
Classification: Pathogenic for LISSENCEPHALY, X-LINKED, 2. Last evaluated: 2003-07-22. Review status: no assertion criteria provided. Collection method: literature only. Allele origin: germline. Not counted in ClinVar's aggregate classification.

Literature cited by the submitters: PubMed 12379852 (cited by Eurofins Ntd Llc (ga) and OMIM); PubMed 12874405 (cited by Eurofins Ntd Llc (ga) and OMIM).